The following is an entry in ClinVar:

NM_001363118.2(SLC52A2):c.1166T>G (p.Val389Gly)

Gene: SLC52A2 (solute carrier family 52 member 2; plus strand). Cytogenetic location: 8q24.3.
Variant type: single nucleotide variant.
Coding change: c.1166T>G on transcript NM_001363118.2 (MANE Select); coding-DNA position 1166, T replaced by G.
Protein change: p.Val389Gly; replaces valine 389 with glycine.
Molecular consequence: missense variant. On other transcripts: non-coding transcript variant (1).
Genome position (GRCh38, 1-based): chr8:144,360,843, T>G. VCF-style: chr8-144360843-T-G. GRCh37 (hg19) VCF-style: chr8-145584503-T-G.
Other names: c.1166T>G, p.Val389Gly (NM_001253815.2, NM_001253816.2, NM_001363120.2 and 2 more transcripts); c.674T>G, p.Val225Gly (NM_001363122.2); short protein forms V225G, V389G.
Identifiers: ClinVar variation 947839 (VCV000947839.7), dbSNP rs1818837782, ClinGen allele CA372629430.

ClinVar aggregate classification (germline): Uncertain significance (1 of 4 stars; one submission).

Conditions:
Brown-Vialetto-van Laere syndrome 2. Also called: SPINOCEREBELLAR ATAXIA WITH BLINDNESS AND DEAFNESS 2; Riboflavin transporter deficiency type 2. Identifiers: Orphanet 572543, Orphanet 97229, MedGen C3553538, MONDO:0013867, OMIM 614707.

Allele frequency attached by ClinVar (database versions not stated): gnomAD exomes below 0.00001.
gnomAD v4.1: 1 of 1,613,252 alleles (0.000062%); highest among the groups gnomAD compares: Non-Finnish European, 0.000085%; no homozygotes.

Submission:

Labcorp Genetics (formerly Invitae), Labcorp
Classification: Uncertain significance for Brown-Vialetto-van Laere syndrome 2. Last evaluated: 2022-08-16. Review status: criteria provided, single submitter. Criteria: Invitae Variant Classification Sherloc (09022015). Collection method: clinical testing. Allele origin: germline.
Comment: This sequence change replaces valine, which is neutral and non-polar, with glycine, which is neutral and non-polar, at codon 389 of the SLC52A2 protein (p.Val389Gly). In summary, the available evidence is currently insufficient to determine the role of this variant in disease. Therefore, it has been classified as a Variant of Uncertain Significance. Advanced modeling of protein sequence and biophysical properties (such as structural, functional, and spatial information, amino acid conservation, physicochemical variation, residue mobility, and thermodynamic stability) performed at Invitae indicates that this missense variant is expected to disrupt SLC52A2 protein function. ClinVar contains an entry for this variant (Variation ID: 947839). This variant has not been reported in the literature in individuals affected with SLC52A2-related conditions. This variant is not present in population databases (gnomAD no frequency).